The following is an entry in ClinVar:

NM_001142503.3(STARD8):c.1472C>T (p.Pro491Leu)

Gene: STARD8 (StAR related lipid transfer domain containing 8; plus strand). Cytogenetic location: Xq13.1.
Variant type: single nucleotide variant.
Coding change: c.1472C>T on transcript NM_001142503.3 (MANE Select); coding-DNA position 1472, C replaced by T.
Protein change: p.Pro491Leu; replaces proline 491 with leucine.
Molecular consequence: missense variant.
Genome position (GRCh38, 1-based): chrX:68,718,386, C>T. VCF-style: chrX-68718386-C-T. GRCh37 (hg19) VCF-style: chrX-67938228-C-T.
Other names: c.1232C>T, p.Pro411Leu (NM_001142504.3, NM_014725.5); c.1472C>T (NM_001142503.2); short protein forms P411L, P491L.
Identifiers: ClinVar variation 2660790 (VCV002660790.25), dbSNP rs200815261, ClinGen allele CA10437659.

ClinVar aggregate classification (germline): Conflicting classifications of pathogenicity. Review status: criteria provided, conflicting classifications (1 of 4 stars). 2 submissions from 2 submitters: Uncertain significance (1); Likely benign (1). Last evaluated 2025-08-21.

Allele frequency attached by ClinVar (database versions not stated): gnomAD 0.00005; TOPMed 0.00006; ExAC 0.00009; gnomAD exomes 0.00009; ESP Exome Variant Server 0.00010; 1000 Genomes Project 30x 0.00042; 1000 Genomes Project 0.00053.

Submissions (2):

Ambry Genetics
Classification: Uncertain significance. Last evaluated: 2025-08-21. Review status: criteria provided, single submitter. Criteria: Ambry Variant Classification Scheme 2023. Collection method: clinical testing. Allele origin: germline.

CeGaT Center for Human Genetics Tuebingen
Classification: Likely benign. Last evaluated: 2023-03-01. Review status: criteria provided, single submitter. Criteria: CeGaT Center For Human Genetics Tuebingen Variant Classification Criteria Version 2. Collection method: clinical testing. Allele origin: germline. Affected: yes. Observed: 1 variant allele.
Comment: STARD8: BP4, BS2